The following is an entry in ClinVar:

ClinVar aggregate classification (germline): Uncertain significance. Review status: criteria provided, multiple submitters, no conflicts (2 of 4 stars). 2 submissions from 2 submitters: Uncertain significance (2). Last evaluated 2025-10-01.

Conditions:
Neurologic, endocrine, and pancreatic disease, multisystem, infantile-onset 2 (IMNEPD2). Also called: YARS1 Deficiency. Identifiers: MedGen C5543623, MONDO:0030375, OMIM 619418.

Submissions (2):

CeGaT Center for Human Genetics Tuebingen
Classification: Uncertain significance. Last evaluated: 2025-10-01. Review status: criteria provided, single submitter. Criteria: CeGaT Center For Human Genetics Tuebingen Variant Classification Criteria Version 2. Collection method: clinical testing. Allele origin: germline. Affected: yes. Observed: 1 variant allele.
Comment: YARS1: PM2, PP3

Broad Center for Mendelian Genomics, Broad Institute of MIT and Harvard
Classification: Uncertain significance for Neurologic, endocrine, and pancreatic disease, multisystem, infantile-onset 2. Last evaluated: 2024-06-19. Review status: criteria provided, single submitter. Criteria: ACMG Guidelines, 2015. Collection method: curation. Allele origin: germline. Inheritance: Autosomal recessive inheritance. Study: GREGoR Consortium.
Comment: Trio exome analysis revealed that this variant was in trans with another variant of uncertain significance. The p.Ser230Phe variant in YARS1 has not been previously reported in the literature in individuals with neurodevelopmental disorder, and was absent from large population studies. Computational prediction tools and conservation analyses suggest that this variant may impact the protein, though this information is not predictive enough to determine pathogenicity. In summary, the clinical significance of the p.Ser230Phe variant is uncertain. ACMG/AMP Criteria applied: PP3_moderate, PM2_supporting (Richards 2015).

NM_003680.4(YARS1):c.689C>T (p.Ser230Phe)

Genes: YARS1 (tyrosyl-tRNA synthetase 1; minus strand), LOC126805688 (BRD4-independent group 4 enhancer GRCh37_chr1:33251929-33253128; plus strand). Cytogenetic location: 1p35.1.
Variant type: single nucleotide variant.
Coding change: c.689C>T on transcript NM_003680.4 (MANE Select); coding-DNA position 689, C replaced by T.
Protein change: p.Ser230Phe; replaces serine 230 with phenylalanine.
Molecular consequence: missense variant.
Genome position (GRCh38, 1-based): chr1:32,787,071, G>A on the plus strand (C>T on the coding strand, the complement: YARS1 is on the minus strand). VCF-style: chr1-32787071-G-A. GRCh37 (hg19) VCF-style: chr1-33252672-G-A.
Other names: NM_003680.4:c.689C>T; short protein forms S230F.
Identifiers: ClinVar variation 3252054 (VCV003252054.7), dbSNP rs766904685.